The following is an entry in ClinVar:

NM_080605.4(B3GALT6):c.966C>A (p.Cys322Ter)

Gene: B3GALT6 (beta-1,3-galactosyltransferase 6; plus strand). Cytogenetic location: 1p36.33.
Variant type: single nucleotide variant.
Coding change: c.966C>A on transcript NM_080605.4 (MANE Select); coding-DNA position 966, C replaced by A.
Protein change: p.Cys322Ter; replaces cysteine 322 with a stop codon.
Molecular consequence: nonsense.
Genome position (GRCh38, 1-based): chr1:1,233,244, C>A. VCF-style: chr1-1233244-C-A. GRCh37 (hg19) VCF-style: chr1-1168624-C-A.
Other names: short protein forms C322*.
Identifiers: ClinVar variation 5020134 (VCV005020134.1).

ClinVar aggregate classification (germline): Uncertain significance (1 of 4 stars; one submission).

Submission:

Dasa
Classification: Uncertain significance. Last evaluated: 2026-08-12. Review status: criteria provided, single submitter. Criteria: DASA Assertion Criteria. Collection method: clinical testing. Allele origin: germline.
Comment: NM_080605.4(B3GALT6):c.966C>A (p.Cys322*) is a nonsense variant in B3GALT6 predicted to introduce a premature termination codon and is predicted to result in an absent or altered protein product. This variant is rare in population databases. The currently available literature and clinical evidence are not sufficient to establish a definitive association between this variant and the reported condition. Therefore, this variant is classified as a variant of uncertain significance.